The following is an entry in ClinVar:

NM_000202.8(IDS):c.383_384del (p.Tyr128fs)

Gene: IDS (iduronate 2-sulfatase; minus strand). Cytogenetic location: Xq28.
Variant type: Deletion.
Coding change: c.383_384del on transcript NM_000202.8 (MANE Select); coding-DNA positions 383 to 384, 2 bases deleted (AT; older notation c.383_384delAT).
Protein change: p.Tyr128fs; shifts the reading frame from tyrosine 128.
Molecular consequence: frameshift variant. On other transcripts: non-coding transcript variant (1).
Genome position (GRCh38, 1-based): chrX:149,503,346-149,503,347, AT deleted on the plus strand (AT on the coding strand, the reverse complement: IDS is on the minus strand); deleting any 2 consecutive bases within chrX:149,503,346-149,503,348 gives the same sequence; the c. name uses the placement nearest the transcript's 3' end. VCF-style (leftmost placement, unchanged base first): chrX-149503345-CAT-C. GRCh37 (hg19) VCF-style: chrX-148584875-CAT-C.
Other names: c.113_114del, p.Tyr38fs (NM_001166550.4); c.383_384del, p.Tyr128fs (NM_006123.5); short protein forms Y128fs, Y38fs.
Identifiers: ClinVar variation 3255692 (VCV003255692.2).

ClinVar aggregate classification (germline): Pathogenic (1 of 4 stars; one submission).

Conditions:
Mucopolysaccharidosis, MPS-II (MPS2). Also called: Hunter Syndrome; IDURONATE 2-SULFATASE DEFICIENCY; Mucopolysaccharidosis Type II; Mucopolysaccharidosis type 2; Attenuated MPS (subtype; formerly known as mild MPS II); Severe MPS II. Identifiers: Orphanet 580, Orphanet 79388, MedGen C0026705, MONDO:0010674, OMIM 309900.

Submission:

Laboratory of Diagnosis and Therapy of Lysosomal Disorders, University of Padova
Classification: Pathogenic for Mucopolysaccharidosis, MPS-II. Last evaluated: 2024-06-07. Review status: criteria provided, single submitter. Criteria: ACMG Guidelines, 2015. Collection method: literature only. Allele origin: germline. Affected: yes. Observed: 1 variant allele.
Comment: Null variant (PVS1_VeryStrong), Absent from controls (or at low frequency) in gnomAD database (PM2_Moderate), Patient’s phenotype or family history highly specific for the disease (PP4_Moderate)

Classification method: ACMG Guidelines [PMID:25741868] with modifications

Literature cited by the submitters: PubMed 9950361.